The following is an entry in ClinVar:

ClinVar aggregate classification (germline): Likely pathogenic (1 of 4 stars; one submission).

Conditions:
Gaucher disease. Also called: Acute cerebral Gaucher disease; Cerebroside lipidosis syndrome; Gaucher splenomegaly; Sphingolipidosis 1; Glucocerebrosidosis; Glucosylceramidase deficiency. Identifiers: Orphanet 355, MedGen C0017205, MONDO:0018150.

gnomAD v4.1: 14 of 1,614,086 alleles (0.00087%); highest among the groups gnomAD compares: Non-Finnish European, 0.000085%; no homozygotes.

Submission:

Natera, Inc.
Classification: Likely pathogenic for Gaucher disease. Last evaluated: 2024-03-26. Review status: criteria provided, single submitter. Criteria: Natera Variant Classification Schema (03/2026). Collection method: clinical testing. Allele origin: germline.
Comment: The c.1225-1G>T variant in GBA1 is a canonical splice acceptor site variant predicted to affect pre-mRNA splicing, which may result in an abnormal transcript and altered protein product. This variant is expected to result in nonsense mediated decay, truncation, or a dysfunctional protein product. This variant is rare in the general population with a frequency below the threshold expected for the associated phenotype(s). Given the available evidence, this variant is classified as Likely Pathogenic.

NM_000157.4(GBA1):c.1225-1G>T

Genes: GBA1 (glucosylceramidase beta 1; minus strand), LOC106627981 (GBA recombination region; plus strand). Cytogenetic location: 1q22.
Variant type: single nucleotide variant.
Coding change: c.1225-1G>T on transcript NM_000157.4 (MANE Select); the canonical splice acceptor site of the intron before coding-DNA position 1225, G replaced by T.
Molecular consequence: splice acceptor variant.
Genome position (GRCh38, 1-based): chr1:155,235,845, C>A on the plus strand (G>T on the coding strand, the complement: GBA1 is on the minus strand). VCF-style: chr1-155235845-C-A. GRCh37 (hg19) VCF-style: chr1-155205636-C-A.
Other names: c.964-1G>T (NM_001171811.2); c.1225-1G>T (NM_001005742.3, NM_001005741.3); c.1078-1G>T (NM_001171812.2).
Identifiers: ClinVar variation 4817700 (VCV004817700.1).